The following is an entry in ClinVar:

NM_001127208.3(TET2):c.833A>G (p.Gln278Arg)

Genes: TET2 (tet methylcytosine dioxygenase 2; plus strand), TET2-AS1 (TET2 antisense RNA 1; minus strand). Cytogenetic location: 4q24.
Variant type: single nucleotide variant.
Coding change: c.833A>G on transcript NM_001127208.3 (MANE Select); coding-DNA position 833, A replaced by G.
Protein change: p.Gln278Arg; replaces glutamine 278 with arginine.
Molecular consequence: missense variant.
Genome position (GRCh38, 1-based): chr4:105,234,775, A>G. VCF-style: chr4-105234775-A-G. GRCh37 (hg19) VCF-style: chr4-106155932-A-G.
Other names: c.833A>G, p.Gln278Arg (NM_017628.4); short protein forms Q278R.
Identifiers: ClinVar variation 4594247 (VCV004594247.1).

ClinVar aggregate classification (germline): Uncertain significance (1 of 4 stars; one submission).

gnomAD v4.1: 1 of 1,613,974 alleles (0.000062%); no homozygotes.

Submission:

Ambry Genetics
Classification: Uncertain significance. Last evaluated: 2025-12-11. Review status: criteria provided, single submitter. Criteria: Ambry Variant Classification Scheme 2023. Collection method: clinical testing. Allele origin: germline.
Comment: The p.Q278R variant (also known as c.833A>G), located in coding exon 1 of the TET2 gene, results from an A to G substitution at nucleotide position 833. The glutamine at codon 278 is replaced by arginine, an amino acid with highly similar properties. This amino acid position is conserved. In addition, this alteration is predicted to be tolerated by in silico analysis. Based on the available evidence, the clinical significance of this variant remains unclear.